The following is an entry in ClinVar:

NM_032043.3(BRIP1):c.865G>A (p.Val289Ile)

Gene: BRIP1 (BRCA1 interacting DNA helicase 1; minus strand). Cytogenetic location: 17q23.2.
Variant type: single nucleotide variant.
Coding change: c.865G>A on transcript NM_032043.3 (MANE Select); coding-DNA position 865, G replaced by A.
Protein change: p.Val289Ile; replaces valine 289 with isoleucine.
Molecular consequence: missense variant.
Genome position (GRCh38, 1-based): chr17:61,808,520, C>T on the plus strand (G>A on the coding strand, the complement: BRIP1 is on the minus strand). VCF-style: chr17-61808520-C-T. GRCh37 (hg19) VCF-style: chr17-59885881-C-T.
Other names: short protein forms V289I.
Identifiers: ClinVar variation 573964 (VCV000573964.15), dbSNP rs1567837768, ClinGen allele CA400484752.

ClinVar aggregate classification (germline): Uncertain significance. Review status: criteria provided, multiple submitters, no conflicts (2 of 4 stars). 2 submissions from 2 submitters: Uncertain significance (2). Last evaluated 2025-02-08.

Conditions:
Hereditary cancer-predisposing syndrome. Also called: Hereditary neoplastic syndrome; Neoplastic Syndromes, Hereditary; Hereditary Cancer Syndrome; Tumor predisposition. Identifiers: Orphanet 140162, MedGen C0027672, MeSH D009386, MONDO:0015356.
Fanconi anemia complementation group J. Also called: BRIP1-Related Fanconi Anemia. Identifiers: Orphanet 84, MedGen C1836860, MONDO:0012187, OMIM 609054.
Familial cancer of breast. Also called: BREAST CANCER, FAMILIAL; hereditary breast carcinoma; Hereditary breast cancer. Identifiers: Orphanet 227535, MedGen C0346153, MONDO:0016419, OMIM 114480. Disease mechanism: loss of function.

Allele frequency attached by ClinVar (database versions not stated): TOPMed below 0.00001.

Submissions (2):

Ambry Genetics
Classification: Uncertain significance for Hereditary cancer-predisposing syndrome. Last evaluated: 2025-02-08. Review status: criteria provided, single submitter. Criteria: Ambry Variant Classification Scheme 2023. Collection method: clinical testing. Allele origin: germline.
Comment: The p.V289I variant (also known as c.865G>A), located in coding exon 6 of the BRIP1 gene, results from a G to A substitution at nucleotide position 865. The valine at codon 289 is replaced by isoleucine, an amino acid with highly similar properties. This amino acid position is not well conserved in available vertebrate species. In addition, this alteration is predicted to be tolerated by in silico analysis. Since supporting evidence is limited at this time, the clinical significance of this alteration remains unclear.

Labcorp Genetics (formerly Invitae), Labcorp
Classification: Uncertain significance for Familial cancer of breast; Fanconi anemia complementation group J. Last evaluated: 2018-05-09. Review status: criteria provided, single submitter. Criteria: Invitae Variant Classification Sherloc (09022015). Collection method: clinical testing. Allele origin: germline.
Comment: This variant is not present in population databases (ExAC no frequency). In summary, the available evidence is currently insufficient to determine the role of this variant in disease. Therefore, it has been classified as a Variant of Uncertain Significance. Algorithms developed to predict the effect of sequence changes on RNA splicing suggest that this variant may create or strengthen a splice site, but this prediction has not been confirmed by published transcriptional studies. Algorithms developed to predict the effect of missense changes on protein structure and function output the following: SIFT: "Tolerated"; PolyPhen-2: "Benign"; Align-GVGD: "Class C0". The isoleucine amino acid residue is found in multiple mammalian species, suggesting that this missense change does not adversely affect protein function. These predictions have not been confirmed by published functional studies and their clinical significance is uncertain. This variant has not been reported in the literature in individuals with BRIP1-related disease. This sequence change replaces valine with isoleucine at codon 289 of the BRIP1 protein (p.Val289Ile). The valine residue is moderately conserved and there is a small physicochemical difference between valine and isoleucine.